The following is an entry in ClinVar:

NM_000051.4(ATM):c.3770C>T (p.Pro1257Leu)

Gene: ATM (ATM serine/threonine kinase; plus strand). Cytogenetic location: 11q22.3.
Variant type: single nucleotide variant.
Coding change: c.3770C>T on transcript NM_000051.4 (MANE Select); coding-DNA position 3770, C replaced by T.
Protein change: p.Pro1257Leu; replaces proline 1257 with leucine.
Molecular consequence: missense variant.
Genome position (GRCh38, 1-based): chr11:108,284,250, C>T. VCF-style: chr11-108284250-C-T. GRCh37 (hg19) VCF-style: chr11-108154977-C-T.
Other names: c.3770C>T, p.Pro1257Leu (NM_001351834.2); short protein forms P1257L.
Identifiers: ClinVar variation 581976 (VCV000581976.7), dbSNP rs758405529, ClinGen allele CA6265353.

ClinVar aggregate classification (germline): Uncertain significance (1 of 4 stars; one submission).

Conditions:
Ataxia-telangiectasia syndrome (AT). Also called: Ataxia-telangiectasia, complementation group D; AT, COMPLEMENTATION GROUP C; Ataxia-telangiectasia, complementation group E; Cerebello-oculocutaneous telangiectasia; Immunodeficiency with ataxia telangiectasia; ATAXIA-TELANGIECTASIA, COMPLEMENTATION GROUP A. Identifiers: Orphanet 100, MedGen C0004135, MONDO:0008840, OMIM 208900.

Allele frequency attached by ClinVar (database versions not stated): gnomAD exomes below 0.00001; ExAC 0.00001.
gnomAD v4.1: 4 of 1,609,714 alleles (0.00025%); highest among the groups gnomAD compares: Non-Finnish European, 0.00025%; no homozygotes.

Submission:

Labcorp Genetics (formerly Invitae), Labcorp
Classification: Uncertain significance for Ataxia-telangiectasia syndrome. Last evaluated: 2025-07-30. Review status: criteria provided, single submitter. Criteria: Invitae Variant Classification Sherloc (09022015). Collection method: clinical testing. Allele origin: germline.
Comment: This sequence change replaces proline, which is neutral and non-polar, with leucine, which is neutral and non-polar, at codon 1257 of the ATM protein (p.Pro1257Leu). This variant is present in population databases (rs758405529, gnomAD 0.0009%). This variant has not been reported in the literature in individuals affected with ATM-related conditions. ClinVar contains an entry for this variant (Variation ID: 581976). Invitae Evidence Modeling of protein sequence and biophysical properties (such as structural, functional, and spatial information, amino acid conservation, physicochemical variation, residue mobility, and thermodynamic stability) has been performed for this missense variant. However, the output from this modeling did not meet the statistical confidence thresholds required to predict the impact of this variant on ATM protein function. In summary, the available evidence is currently insufficient to determine the role of this variant in disease. Therefore, it has been classified as a Variant of Uncertain Significance.